The following is an entry in ClinVar:

ClinVar aggregate classification (germline): Uncertain significance (1 of 4 stars; one submission).

gnomAD v4.1: 4 of 1,603,812 alleles (0.00025%); highest among the groups gnomAD compares: Non-Finnish European, 0.00017%; no homozygotes.

Submissions (2):

Women's Health and Genetics/Laboratory Corporation of America, LabCorp
Classification: Uncertain significance. Last evaluated: 2026-06-04. Review status: criteria provided, single submitter. Criteria: LabCorp Variant Classification Summary - May 2015. Collection method: clinical testing. Allele origin: germline.
Comment: Variant summary: PAX8 c.1051G>A (p.Val351Met) results in a conservative amino acid change in the encoded protein sequence. Algorithms developed to predict the effect of missense changes on protein structure and function are either unavailable or do not agree on the potential impact of this missense change. The variant allele was found at a frequency of 2.5e-06 in 1603812 control chromosomes. The available data on variant occurrences in the general population are insufficient to allow any conclusion about variant significance. To our knowledge, no occurrence of c.1051G>A in individuals affected with PAX8-related conditions and no experimental evidence demonstrating its impact on protein function have been reported. No submitters have cited clinical-significance assessments for this variant to ClinVar. Based on the evidence outlined above, the variant was classified as uncertain significance.

Dr. Peter K. Rogan Lab, Western University
No classification provided (evidence only). Condition: Colon adenocarcinoma. Review status: no classification provided. Collection method: in vitro. Allele origin: not applicable. Functional consequence: retained intron. Not counted in ClinVar's aggregate classification.

NM_003466.4(PAX8):c.1051G>A (p.Val351Met)

Gene: PAX8 (paired box 8; minus strand). Cytogenetic location: 2q14.1.
Variant type: single nucleotide variant.
Coding change: c.1051G>A on transcript NM_003466.4 (MANE Select); coding-DNA position 1051, G replaced by A.
Protein change: p.Val351Met; replaces valine 351 with methionine.
Molecular consequence: missense variant. On other transcripts: synonymous variant (1), intron variant (2).
Genome position (GRCh38, 1-based): chr2:113,235,430, C>T on the plus strand (G>A on the coding strand, the complement: PAX8 is on the minus strand). VCF-style: chr2-113235430-C-T. GRCh37 (hg19) VCF-style: chr2-113993007-C-T.
Other names: NC_000002.11:g.113993007C>T; c.972G>A, p.Pro324= (NM_013952.4); c.777+6121G>A (NM_013992.4, NM_013953.4); short protein forms V351M.
Identifiers: ClinVar variation 4503047 (VCV004503047.2).